The following is an entry in ClinVar:

NM_015192.4(PLCB1):c.*1551A>G

Gene: PLCB1 (phospholipase C beta 1; plus strand). Cytogenetic location: 20p12.3.
Variant type: single nucleotide variant.
Coding change: c.*1551A>G on transcript NM_015192.4 (MANE Select); 1551 bases downstream of the stop codon, A replaced by G.
Molecular consequence: 3 prime UTR variant.
Genome position (GRCh38, 1-based): chr20:8,883,400, A>G. VCF-style: chr20-8883400-A-G. GRCh37 (hg19) VCF-style: chr20-8864047-A-G.
Other names: c.*1798A>G (NM_182734.3).
Identifiers: ClinVar variation 339536 (VCV000339536.5), dbSNP rs77690948, ClinGen allele CA10652826.
Genomic context (GRCh38, chr20:8,883,400, plus strand): 5'-TAAGAGAAACAAATTATATCAAGGTAAAACTGATCAAAAGCATAATTGAAAGTTCTGAAA[A>G]AAGAAAAATAATAATATGTAGAAAAATGTAACTTAGAGAGTAACACATGAACATTGAAGT-3'

ClinVar aggregate classification (germline): Benign (1 of 4 stars; one submission).

Conditions:
Developmental and epileptic encephalopathy, 12 (DEE12). Identifiers: MedGen C3150988, MONDO:0013389, OMIM 613722.

Allele frequency attached by ClinVar (database versions not stated): 1000 Genomes Project 0.01458; 1000 Genomes Project 30x 0.01483; gnomAD 0.01501 and 0.01631; TOPMed 0.01639.

Submission:

Illumina Laboratory Services, Illumina
Classification: Benign for Developmental and epileptic encephalopathy, 12. Last evaluated: 2018-01-12. Review status: criteria provided, single submitter. Criteria: ICSL Variant Classification Criteria 13 December 2019. Collection method: clinical testing. Allele origin: germline.
Comment: This variant was observed in the ICSL laboratory as part of a predisposition screen in an ostensibly healthy population. It had not been previously curated by ICSL or reported in the Human Gene Mutation Database (HGMD: prior to June 1st, 2018), and was therefore a candidate for classification through an automated scoring system. Utilizing variant allele frequency, disease prevalence and penetrance estimates, and inheritance mode, an automated score was calculated to assess if this variant is too frequent to cause the disease. Based on the score and internal cut-off values, a variant classified as benign is not then subjected to further curation. The score for this variant resulted in a classification of benign for this disease.